The following is an entry in ClinVar:

NC_000020.11:g.56248725C>T

Gene: MC3R (melanocortin 3 receptor; plus strand). Cytogenetic location: 20q13.2.
Variant type: single nucleotide variant.
Genome position: GRCh38 VCF-style: chr20-56248725-C-T. GRCh37 (hg19) VCF-style: chr20-54823781-C-T.
Identifiers: ClinVar variation 4996340 (VCV004996340.1).
Genomic context (GRCh38, chr20:56,248,725, plus strand): 5'-CACTATCTGTCTCTCTACCCTCCCCATCCTTTTATTCTAGAGGAGAATAAACTCTAAGGC[C>T]AGATTGAATGAGCATCCAAAAGACGTATCTGGAGGGAGATTTTGTCTTTCCTGTGAGCAG-3'

ClinVar aggregate classification (germline): Likely benign (1 of 4 stars; one submission).

Conditions:
MC3R-related disorder. Also called: MC3R-related condition.

Submission:

PreventionGenetics, part of Exact Sciences
Classification: Likely benign for MC3R-related condition. Last evaluated: 2026-03-05. Review status: criteria provided, single submitter. Criteria: ACMG Guidelines, 2015. Collection method: clinical testing. Allele origin: germline.
Comment: This variant is classified as likely benign based on ACMG/AMP sequence variant interpretation guidelines (Richards et al. 2015 PMID: 25741868, with internal and published modifications).